The following is an entry in ClinVar:

NM_033109.5(PNPT1):c.429A>G (p.Pro143=)

Gene: PNPT1 (polyribonucleotide nucleotidyltransferase 1; minus strand). Cytogenetic location: 2p16.1.
Variant type: single nucleotide variant.
Coding change: c.429A>G on transcript NM_033109.5 (MANE Select); coding-DNA position 429, A replaced by G.
Protein change: p.Pro143=; no amino-acid change (proline 143 retained).
Molecular consequence: synonymous variant.
Genome position (GRCh38, 1-based): chr2:55,683,809, T>C on the plus strand (A>G on the coding strand, the complement: PNPT1 is on the minus strand). VCF-style: chr2-55683809-T-C. GRCh37 (hg19) VCF-style: chr2-55910944-T-C.
Identifiers: ClinVar variation 386617 (VCV000386617.1), dbSNP rs758544175, ClinGen allele CA1668480.

ClinVar aggregate classification (germline): Likely benign (1 of 4 stars; one submission).

Allele frequency attached by ClinVar (database versions not stated): gnomAD exomes below 0.00001; ExAC 0.00001.
gnomAD v4.1: 5 of 1,613,694 alleles (0.00031%); highest among the groups gnomAD compares: Non-Finnish European, 0.00042%; no homozygotes.

Submission:

GeneDx
Classification: Likely benign. Last evaluated: 2016-06-08. Review status: criteria provided, single submitter. Criteria: GeneDx Variant Classification (06012015). Collection method: clinical testing. Allele origin: germline. Affected: yes.
Comment: This variant is considered likely benign or benign based on one or more of the following criteria: it is a conservative change, it occurs at a poorly conserved position in the protein, it is predicted to be benign by multiple in silico algorithms, and/or has population frequency not consistent with disease.